The following is an entry in ClinVar:

NM_001374736.1(DST):c.19338dup (p.Ile6447fs)

Gene: DST (dystonin; minus strand). Cytogenetic location: 6p12.1.
Variant type: Duplication.
Coding change: c.19338dup on transcript NM_001374736.1 (MANE Select); coding-DNA position 19338, one base duplicated (C; older notation c.19338dupC).
Protein change: p.Ile6447fs; shifts the reading frame from isoleucine 6447.
Molecular consequence: frameshift variant.
Genome position (GRCh38, 1-based): chr6:56,506,691, G duplicated on the plus strand (C on the coding strand, the reverse complement: DST is on the minus strand); the first of 3 consecutive G bases (chr6:56,506,691-56,506,693); duplicating any one gives the same sequence. VCF-style (leftmost placement, unchanged base first): chr6-56506690-T-TG. GRCh37 (hg19) VCF-style: chr6-56371488-T-TG.
Other names: c.12981dup, p.Ile4328fs (NM_001144769.5); c.12567dup, p.Ile4190fs (NM_001144770.2); c.19338dup, p.Ile6447fs (NM_001374722.1); c.18378dup, p.Ile6127fs (NM_001374729.1); c.12120dup, p.Ile4041fs (NM_001374730.1); c.19365dup, p.Ile6456fs (NM_001374734.1); c.12447dup, p.Ile4150fs (NM_001386100.1, NM_183380.4); c.11469dup, p.Ile3824fs (NM_015548.5); short protein forms I4041fs, I4328fs, I6456fs, I4150fs, I4190fs, I6127fs, I3824fs, I6447fs.
Identifiers: ClinVar variation 2944639 (VCV002944639.3), dbSNP rs2534268486, ClinGen allele CA2740091367.

ClinVar aggregate classification (germline): Pathogenic (1 of 4 stars; one submission).

Conditions:
Hereditary sensory and autonomic neuropathy type 6. Also called: HSAN VI; Neuropathy, hereditary sensory and autonomic, type VI. Identifiers: Orphanet 314381, MedGen C3539003, MONDO:0013839, OMIM 614653.
Epidermolysis bullosa simplex 3, localized or generalized intermediate, with BP230 deficiency (EBS3). Also called: Epidermolysis bullosa simplex due to BP230 deficiency; Epidermolysis bullosa simplex, autosomal recessive 2. Identifiers: Orphanet 412181, MedGen C3809470, MONDO:0014180, OMIM 615425.

Submission:

Labcorp Genetics (formerly Invitae), Labcorp
Classification: Pathogenic for Epidermolysis bullosa simplex 3, localized or generalized intermediate, with BP230 deficiency; Hereditary sensory and autonomic neuropathy type 6. Last evaluated: 2023-02-23. Review status: criteria provided, single submitter. Criteria: Invitae Variant Classification Sherloc (09022015). Collection method: clinical testing. Allele origin: germline.
Comment: The DST gene has multiple clinically relevant transcripts. This variant occurs in alternate transcript NM_015548.4, and corresponds to c.*108826_*108827insC in NM_001723.5, the primary transcript. For these reasons, this variant has been classified as Pathogenic. This variant has not been reported in the literature in individuals affected with DST-related conditions. This variant is not present in population databases (gnomAD no frequency). This sequence change creates a premature translational stop signal (p.Ile3824Hisfs*8) in the DST gene. It is expected to result in an absent or disrupted protein product. Loss-of-function variants in DST are known to be pathogenic (PMID: 22522446, 25059916, 30371979).

Literature cited by the submitters: PubMed 22522446; PubMed 25059916; PubMed 30371979.